The following is an entry in ClinVar:

NM_000059.4(BRCA2):c.1234C>A (p.Pro412Thr)

Gene: BRCA2 (BRCA2 DNA repair associated; plus strand). Cytogenetic location: 13q13.1.
Variant type: single nucleotide variant.
Coding change: c.1234C>A on transcript NM_000059.4 (MANE Select); coding-DNA position 1234, C replaced by A.
Protein change: p.Pro412Thr; replaces proline 412 with threonine.
Molecular consequence: missense variant.
Genome position (GRCh38, 1-based): chr13:32,332,712, C>A. VCF-style: chr13-32332712-C-A. GRCh37 (hg19) VCF-style: chr13-32906849-C-A.
Other names: short protein forms P412T.
Identifiers: ClinVar variation 818663 (VCV000818663.11), dbSNP rs1555281787, ClinGen allele CA387762200.
Genomic context (GRCh38, chr13:32,332,712, plus strand): 5'-GCCTGTGAATGGTCTCAACTAACCCTTTCAGGTCTAAATGGAGCCCAGATGGAGAAAATA[C>A]CCCTATTGCATATTTCTTCATGTGACCAAAATATTTCAGAAAAAGACCTATTAGACACAG-3'
Protein context (NP_000050.3, residues 402-422): GLNGAQMEKI[Pro412Thr]LLHISSCDQN

ClinVar aggregate classification (germline): Conflicting classifications of pathogenicity. Review status: criteria provided, conflicting classifications (1 of 4 stars). 5 submissions from 5 submitters: Uncertain significance (4); Likely benign (1). Last evaluated 2025-11-11.

Conditions:
Hereditary cancer-predisposing syndrome. Also called: Neoplastic Syndromes, Hereditary; Tumor predisposition; Hereditary Cancer Syndrome; Hereditary neoplastic syndrome. Identifiers: Orphanet 140162, MedGen C0027672, MeSH D009386, MONDO:0015356.
Hereditary breast ovarian cancer syndrome. Also called: Hereditary breast and ovarian cancer; Hereditary breast and/or ovarian cancer syndrome; BRCA1- and BRCA2-Associated Hereditary Breast and Ovarian Cancer; Breast and ovarian cancer; Hereditary breast and ovarian cancer syndrome; Hereditary breast and ovarian cancer syndrome (HBOC). Identifiers: Orphanet 145, MedGen C0677776, MeSH D061325, MONDO:0003582. Disease mechanism: loss of function.
Breast-ovarian cancer, familial, susceptibility to, 2 (BROVCA2). Also called: BRCA2 Hereditary Breast and Ovarian Cancer. Identifiers: Orphanet 145, MedGen C2675520, MONDO:0012933, OMIM 612555. Disease mechanism: loss of function.

Submissions (5):

Labcorp Genetics (formerly Invitae), Labcorp
Classification: Uncertain significance for Hereditary breast ovarian cancer syndrome. Last evaluated: 2025-11-11. Review status: criteria provided, single submitter. Criteria: Invitae Variant Classification Sherloc (09022015). Collection method: clinical testing. Allele origin: germline.
Comment: This sequence change replaces proline, which is neutral and non-polar, with threonine, which is neutral and polar, at codon 412 of the BRCA2 protein (p.Pro412Thr). This variant is not present in population databases (gnomAD no frequency). This variant has not been reported in the literature in individuals affected with BRCA2-related conditions. ClinVar contains an entry for this variant (Variation ID: 818663). Invitae Evidence Modeling of protein sequence and biophysical properties (such as structural, functional, and spatial information, amino acid conservation, physicochemical variation, residue mobility, and thermodynamic stability) indicates that this missense variant is not expected to disrupt BRCA2 protein function with a negative predictive value of 95%. In summary, the available evidence is currently insufficient to determine the role of this variant in disease. Therefore, it has been classified as a Variant of Uncertain Significance.

All of Us Research Program, National Institutes of Health
Classification: Uncertain significance for Breast-ovarian cancer, familial, susceptibility to, 2. Last evaluated: 2023-08-08. Review status: criteria provided, single submitter. Criteria: ACMG Guidelines, 2015. Collection method: clinical testing. Allele origin: germline. Inheritance: Autosomal dominant inheritance. Observed: 1 variant allele, 1 heterozygote.
Comment: This missense variant replaces proline with threonine at codon 412 of the BRCA2 protein. Computational prediction suggests that this variant may not impact protein structure and function (internally defined REVEL score threshold <= 0.5, PMID: 27666373). To our knowledge, functional studies have not been reported for this variant. This variant has not been reported in individuals affected with BRCA2-related disorders in the literature. This variant has not been identified in the general population by the Genome Aggregation Database (gnomAD). The available evidence is insufficient to determine the role of this variant in disease conclusively. Therefore, this variant is classified as a Variant of Uncertain Significance.

This study involves interpretation of variants in research participants for the purpose of population health screening. Participant phenotype was not available at the time of variant classification. Additional details can be found in publication PMID: 35346344, PMCID: PMC8962531

University of Washington Department of Laboratory Medicine, University of Washington
Classification: Likely benign for Hereditary cancer-predisposing syndrome. Last evaluated: 2023-03-23. Review status: criteria provided, single submitter. Criteria: Dines et al. (Genet Med. 2020). Collection method: curation. Allele origin: germline.
Comment: Missense variant in a coldspot region where missense variants are very unlikely to be pathogenic (PMID:31911673).

BRCA2 exon 10 coldspot. Reclassification based on statistical prior probability.

Blueprint Genetics
Classification: Uncertain significance. Last evaluated: 2021-09-16. Review status: criteria provided, single submitter. Criteria: ACMG Guidelines, 2015. Collection method: clinical testing. Allele origin: germline.

Ambry Genetics
Classification: Uncertain significance for Hereditary cancer-predisposing syndrome. Last evaluated: 2018-09-08. Review status: criteria provided, single submitter. Criteria: Ambry Variant Classification Scheme 2023. Collection method: clinical testing. Allele origin: germline.
Comment: The p.P412T variant (also known as c.1234C>A), located in coding exon 9 of the BRCA2 gene, results from a C to A substitution at nucleotide position 1234. The proline at codon 412 is replaced by threonine, an amino acid with highly similar properties. This amino acid position is not well conserved in available vertebrate species. In addition, this alteration is predicted to be tolerated by in silico analysis. Since supporting evidence is limited at this time, the clinical significance of this alteration remains unclear.